The following is an entry in ClinVar:

NM_000235.4(LIPA):c.38T>C (p.Val13Ala)

Gene: LIPA (lipase A, lysosomal acid type; minus strand). Cytogenetic location: 10q23.31.
Variant type: single nucleotide variant.
Coding change: c.38T>C on transcript NM_000235.4 (MANE Select); coding-DNA position 38, T replaced by C.
Protein change: p.Val13Ala; replaces valine 13 with alanine.
Molecular consequence: missense variant. On other transcripts: intron variant (1).
Genome position (GRCh38, 1-based): chr10:89,247,611, A>G on the plus strand (T>C on the coding strand, the complement: LIPA is on the minus strand). VCF-style: chr10-89247611-A-G. GRCh37 (hg19) VCF-style: chr10-91007368-A-G.
Other names: c.38T>C, p.Val13Ala (NM_001127605.3); c.-120+4126T>C (NM_001288979.2); short protein forms V13A.
Identifiers: ClinVar variation 4047478 (VCV004047478.2).

ClinVar aggregate classification (germline): Uncertain significance. Review status: criteria provided, multiple submitters, no conflicts (2 of 4 stars). 2 submissions from 2 submitters: Uncertain significance (2). Last evaluated 2025-10-28.

Conditions:
Cardiovascular phenotype. Identifiers: MedGen CN230736.

Submissions (2):

Women's Health and Genetics/Laboratory Corporation of America, LabCorp
Classification: Uncertain significance. Last evaluated: 2025-10-28. Review status: criteria provided, single submitter. Criteria: LabCorp Variant Classification Summary - May 2015. Collection method: clinical testing. Allele origin: germline.
Comment: Variant summary: LIPA c.38T>C (p.Val13Ala) results in a non-conservative amino acid change in the encoded protein sequence. Algorithms developed to predict the effect of missense changes on protein structure and function are either unavailable or do not agree on the potential impact of this missense change. The variant was absent in 251412 control chromosomes. The available data on variant occurrences in the general population are insufficient to allow any conclusion about variant significance. To our knowledge, no occurrence of c.38T>C in individuals affected with LIPA-related conditions and no experimental evidence demonstrating its impact on protein function have been reported. ClinVar contains an entry for this variant (Variation ID: 4047478). Based on the evidence outlined above, the variant was classified as uncertain significance.

Ambry Genetics
Classification: Uncertain significance for Cardiovascular phenotype. Last evaluated: 2025-06-07. Review status: criteria provided, single submitter. Criteria: Ambry Variant Classification Scheme 2023. Collection method: clinical testing. Allele origin: germline.